The following is an entry in ClinVar:

ClinVar aggregate classification (germline): Benign/Likely benign. Review status: criteria provided, multiple submitters, no conflicts (2 of 4 stars). 4 submissions from 4 submitters: Benign (1); Likely benign (3). Last evaluated 2026-07-01.

Allele frequency attached by ClinVar (database versions not stated): ExAC 0.00005; gnomAD exomes 0.00007 and 0.00012; gnomAD 0.00010 and 0.00012; TOPMed 0.00011; ESP Exome Variant Server 0.00023.
gnomAD v4.1: 204 of 1,613,580 alleles (0.013%); highest among the groups gnomAD compares: Middle Eastern, 0.016%; no homozygotes.

Submissions (4):

CeGaT Center for Human Genetics Tuebingen
Classification: Likely benign. Last evaluated: 2026-07-01. Review status: criteria provided, single submitter. Criteria: CeGaT Center For Human Genetics Tuebingen Variant Classification Criteria Version 2. Collection method: clinical testing. Allele origin: germline. Affected: yes. Observed: 2 variant alleles.
Comment: NSD1: BP4, BP7

Labcorp Genetics (formerly Invitae), Labcorp
Classification: Likely benign. Last evaluated: 2025-02-09. Review status: criteria provided, single submitter. Criteria: Invitae Variant Classification Sherloc (09022015). Collection method: clinical testing. Allele origin: germline.

Blueprint Genetics
Classification: Likely benign. Last evaluated: 2024-02-07. Review status: criteria provided, single submitter. Criteria: ACMG Guidelines, 2015. Collection method: clinical testing. Allele origin: germline.

GeneDx
Classification: Benign. Last evaluated: 2015-03-03. Review status: criteria provided, single submitter. Criteria: GeneDx Variant Classification Process June 2021. Collection method: clinical testing. Allele origin: germline. Affected: yes.

NM_022455.5(NSD1):c.6276G>A (p.Thr2092=)

Gene: NSD1 (nuclear receptor binding SET domain protein 1; plus strand). Cytogenetic location: 5q35.3.
Variant type: single nucleotide variant.
Coding change: c.6276G>A on transcript NM_022455.5 (MANE Select); coding-DNA position 6276, G replaced by A.
Protein change: p.Thr2092=; no amino-acid change (threonine 2092 retained).
Molecular consequence: synonymous variant.
Genome position (GRCh38, 1-based): chr5:177,291,971, G>A. VCF-style: chr5-177291971-G-A. GRCh37 (hg19) VCF-style: chr5-176718972-G-A.
Other names: c.5403G>A, p.Thr1801= (NM_001365684.2, NM_001409308.1, NM_172349.5); c.6276G>A, p.Thr2092= (NM_001409301.1, NM_001409302.1, NM_001409303.1); c.5856G>A, p.Thr1952= (NM_001409304.1); c.5523G>A, p.Thr1841= (NM_001409305.1); c.5514G>A, p.Thr1838= (NM_001409306.1, NM_001409307.1); c.5154G>A, p.Thr1718= (NM_001409309.1).
Identifiers: ClinVar variation 1293462 (VCV001293462.17), dbSNP rs138041618, ClinGen allele CA3577975.